The following is an entry in ClinVar:

NM_000337.6(SGCD):c.112T>C (p.Phe38Leu)

Gene: SGCD (sarcoglycan delta; plus strand). Cytogenetic location: 5q33.3.
Variant type: single nucleotide variant.
Coding change: c.112T>C on transcript NM_000337.6 (MANE Select); coding-DNA position 112, T replaced by C.
Protein change: p.Phe38Leu; replaces phenylalanine 38 with leucine.
Molecular consequence: missense variant.
Genome position (GRCh38, 1-based): chr5:156,344,597, T>C. VCF-style: chr5-156344597-T-C. GRCh37 (hg19) VCF-style: chr5-155771607-T-C.
Other names: c.109T>C, p.Phe37Leu (NM_001128209.2); c.112T>C, p.Phe38Leu (NM_172244.3); short protein forms F38L, F37L.
Identifiers: ClinVar variation 2178479 (VCV002178479.2), dbSNP rs750206304, ClinGen allele CA130594220.

ClinVar aggregate classification (germline): Uncertain significance. Review status: criteria provided, multiple submitters, no conflicts (2 of 4 stars). 2 submissions from 2 submitters: Uncertain significance (2). Last evaluated 2024-10-08.

Conditions:
Autosomal recessive limb-girdle muscular dystrophy type 2F (LGMDR6). Also called: Muscular dystrophy limb-girdle with delta-sarcoglyan deficiency; MUSCULAR DYSTROPHY, LIMB-GIRDLE, AUTOSOMAL RECESSIVE 6. Identifiers: Orphanet 219, MedGen C1832525, MONDO:0011028, OMIM 601287. Disease mechanism: Affects gamma-sarcoglycan and also disrupts the integrity of the entire sarcoglycan complex..
Inborn genetic diseases. Identifiers: MedGen C0950123, MeSH D030342.

Allele frequency attached by ClinVar (database versions not stated): TOPMed below 0.00001; gnomAD 0.00001; gnomAD exomes 0.00001.
gnomAD v4.1: 22 of 1,612,480 alleles (0.0014%); highest among the groups gnomAD compares: Non-Finnish European, 0.0018%; no homozygotes.

Submissions (2):

Ambry Genetics
Classification: Uncertain significance for Inborn genetic diseases. Last evaluated: 2024-10-08. Review status: criteria provided, single submitter. Criteria: Ambry Variant Classification Scheme 2023. Collection method: clinical testing. Allele origin: germline.
Comment: The p.F38L variant (also known as c.112T>C), located in coding exon 2 of the SGCD gene, results from a T to C substitution at nucleotide position 112. The phenylalanine at codon 38 is replaced by leucine, an amino acid with highly similar properties. This amino acid position is conserved. In addition, the in silico prediction for this alteration is inconclusive. Based on the available evidence, the clinical significance of this variant remains unclear.

Labcorp Genetics (formerly Invitae), Labcorp
Classification: Uncertain significance for Autosomal recessive limb-girdle muscular dystrophy type 2F. Last evaluated: 2022-06-29. Review status: criteria provided, single submitter. Criteria: Invitae Variant Classification Sherloc (09022015). Collection method: clinical testing. Allele origin: germline.
Comment: This sequence change replaces phenylalanine, which is neutral and non-polar, with leucine, which is neutral and non-polar, at codon 38 of the SGCD protein (p.Phe38Leu). This variant is present in population databases (rs750206304, gnomAD 0.002%). This variant has not been reported in the literature in individuals affected with SGCD-related conditions. Algorithms developed to predict the effect of missense changes on protein structure and function (SIFT, PolyPhen-2, Align-GVGD) all suggest that this variant is likely to be tolerated. In summary, the available evidence is currently insufficient to determine the role of this variant in disease. Therefore, it has been classified as a Variant of Uncertain Significance.